The following is an entry in ClinVar:

NM_001458.5(FLNC):c.1568T>C (p.Val523Ala)

Gene: FLNC (filamin C; plus strand). Cytogenetic location: 7q32.1.
Variant type: single nucleotide variant.
Coding change: c.1568T>C on transcript NM_001458.5 (MANE Select); coding-DNA position 1568, T replaced by C.
Protein change: p.Val523Ala; replaces valine 523 with alanine.
Molecular consequence: missense variant.
Genome position (GRCh38, 1-based): chr7:128,840,566, T>C. VCF-style: chr7-128840566-T-C. GRCh37 (hg19) VCF-style: chr7-128480620-T-C.
Other names: c.1568T>C, p.Val523Ala (NM_001127487.2); short protein forms V523A.
Identifiers: ClinVar variation 418216 (VCV000418216.63), dbSNP rs182845462, ClinGen allele CA4474400.
Genomic context (GRCh38, chr7:128,840,566, plus strand): 5'-TATTGATCTGCCTTCTTCCCCACCCTGCCCCCATCTCCTCAGAGGGCACAGAGGAGCCAG[T>C]GAAGGTGCGGGAGGCTGGGGATGGTGTGTTCGAGTGCGAGTACTACCCGGTGGTGCCTGG-3'
Protein context (NP_001449.3, residues 513-533): VKGPKGTEEP[Val523Ala]KVREAGDGVF

ClinVar aggregate classification (germline): Conflicting classifications of pathogenicity. Review status: criteria provided, conflicting classifications (1 of 4 stars). 11 submissions from 11 submitters: Uncertain significance (2); Likely benign (7). 2 of the submissions do not count toward it. Last evaluated 2026-03-27.

Conditions:
FLNC-related disorder. Also called: FLNC-related condition; FLNC-related disorders.
Hypertrophic cardiomyopathy 26. Also called: Cardiomyopathy, familial hypertrophic, 26. Identifiers: Orphanet 75249, MedGen C4310749, MONDO:0014883, OMIM 617047.
Myofibrillar myopathy 5. Also called: Filaminopathy (type); FILAMINOPATHY, AUTOSOMAL DOMINANT. Identifiers: Orphanet 171445, MedGen C1836050, MONDO:0012289, OMIM 609524.
Distal myopathy with posterior leg and anterior hand involvement. Also called: WILLIAMS DISTAL MYOPATHY. Identifiers: Orphanet 63273, MedGen C3279722, MONDO:0013550, OMIM 614065.
Cardiovascular phenotype. Identifiers: MedGen CN230736.
Cardiomyopathy (CMYO). Also called: Cardiomyopathies. Identifiers: Orphanet 167848, MedGen C0878544, MONDO:0004994, HP:0001638. Inheritance: Various modes of inheritance.

Allele frequency attached by ClinVar (database versions not stated): gnomAD exomes 0.00021 and 0.00020; gnomAD 0.00011 and 0.00012; TOPMed 0.00011; 1000 Genomes Project 30x 0.00016; ESP Exome Variant Server 0.00016; ExAC 0.00019; 1000 Genomes Project 0.00020.
gnomAD v4.1: 296 of 1,614,134 alleles (0.018%); highest among the groups gnomAD compares: Admixed American, 0.048%; no homozygotes.

Submissions (11):

Molecular Diagnostic Laboratory for Inherited Cardiovascular Disease, Montreal Heart Institute
Classification: Likely benign. Last evaluated: 2026-03-27. Review status: criteria provided, single submitter. Criteria: ACMG Guidelines, 2015. Collection method: clinical testing. Allele origin: germline. Affected: no.
Comment: BS1;BS2

Labcorp Genetics (formerly Invitae), Labcorp
Classification: Likely benign for Distal myopathy with posterior leg and anterior hand involvement; Myofibrillar myopathy 5; Hypertrophic cardiomyopathy 26. Last evaluated: 2026-01-11. Review status: criteria provided, single submitter. Criteria: Invitae Variant Classification Sherloc (09022015). Collection method: clinical testing. Allele origin: germline.

PreventionGenetics, part of Exact Sciences
Classification: Likely benign for FLNC-related condition. Last evaluated: 2025-10-09. Review status: criteria provided, single submitter. Criteria: ACMG Guidelines, 2015. Collection method: clinical testing. Allele origin: germline.
Comment: This variant is classified as likely benign based on ACMG/AMP sequence variant interpretation guidelines (Richards et al. 2015 PMID: 25741868, with internal and published modifications).

Blueprint Genetics
Classification: Likely benign. Last evaluated: 2024-08-07. Review status: criteria provided, single submitter. Criteria: ACMG Guidelines, 2015. Collection method: clinical testing. Allele origin: germline.

Women's Health and Genetics/Laboratory Corporation of America, LabCorp
Classification: Likely benign. Last evaluated: 2024-02-05. Review status: criteria provided, single submitter. Criteria: LabCorp Variant Classification Summary - May 2015. Collection method: clinical testing. Allele origin: germline.
Comment: Variant summary: FLNC c.1568T>C (p.Val523Ala) results in a non-conservative amino acid change in the encoded protein sequence. Five of five in-silico tools predict a damaging effect of the variant on protein function. The variant allele was found at a frequency of 0.00021 in 249522 control chromosomes (gnomAD). The observed variant frequency is approximately 27 fold of the estimated maximal expected allele frequency for a pathogenic variant in FLNC causing Dilated Cardiomyopathy phenotype (7.8e-06), strongly suggesting that the variant is benign. c.1568T>C has been reported in the literature in individuals affected with Dilated Cardiomyopathy without strong evidence of causality (Lenarduzzi_2023, Pham_2023). These reports do not provide unequivocal conclusions about association of the variant with Dilated Cardiomyopathy. To our knowledge, no experimental evidence demonstrating an impact on protein function has been reported. The following publications have been ascertained in the context of this evaluation (PMID: 36788754, 37199186). ClinVar contains an entry for this variant (Variation ID: 418216). Based on the evidence outlined above, the variant was classified as likely benign.

Ambry Genetics
Classification: Likely benign for Cardiovascular phenotype. Last evaluated: 2023-04-04. Review status: criteria provided, single submitter. Criteria: Ambry Variant Classification Scheme 2023. Collection method: clinical testing. Allele origin: germline.

CHEO Genetics Diagnostic Laboratory, Children's Hospital of Eastern Ontario
Classification: Likely benign for Cardiomyopathy. Last evaluated: 2022-02-24. Review status: criteria provided, single submitter. Criteria: ACMG Guidelines, 2015. Collection method: clinical testing. Allele origin: germline.

GeneDx
Classification: Uncertain significance. Last evaluated: 2021-04-23. Review status: criteria provided, single submitter. Criteria: GeneDx Variant Classification Process June 2021. Collection method: clinical testing. Allele origin: germline. Affected: yes.
Comment: In silico analysis supports that this missense variant has a deleterious effect on protein structure/function; This variant is associated with the following publications: (PMID: 28356264)

CeGaT Center for Human Genetics Tuebingen
Classification: Uncertain significance. Last evaluated: 2019-01-01. Review status: criteria provided, single submitter. Criteria: CeGaT Center For Human Genetics Tuebingen Variant Classification Criteria Version 2. Collection method: clinical testing. Allele origin: germline. Affected: yes. Observed: 1 variant allele.

Clinical Genetics, Academic Medical Center
Classification: Uncertain significance. Review status: no assertion criteria provided. Collection method: clinical testing. Allele origin: germline. Affected: yes. Study: VKGL Data-share Consensus. Not counted in ClinVar's aggregate classification.

Genome Diagnostics Laboratory, University Medical Center Utrecht
Classification: Uncertain significance. Review status: no assertion criteria provided. Collection method: clinical testing. Allele origin: germline. Affected: yes. Study: VKGL Data-share Consensus. Not counted in ClinVar's aggregate classification.

Literature cited by the submitters: PubMed 36788754 (cited by Women's Health and Genetics/Laboratory Corporation of America, LabCorp); PubMed 37199186 (cited by Women's Health and Genetics/Laboratory Corporation of America, LabCorp); PubMed 28356264 (cited by Ambry Genetics); PubMed 35026164 (cited by Ambry Genetics).